The following is an entry in ClinVar:

NM_080860.4(RSPH1):c.313T>C (p.Tyr105His)

Gene: RSPH1 (radial spoke head component 1; minus strand). Cytogenetic location: 21q22.3.
Variant type: single nucleotide variant.
Coding change: c.313T>C on transcript NM_080860.4 (MANE Select); coding-DNA position 313, T replaced by C.
Protein change: p.Tyr105His; replaces tyrosine 105 with histidine.
Molecular consequence: missense variant.
Genome position (GRCh38, 1-based): chr21:42,486,423, A>G on the plus strand (T>C on the coding strand, the complement: RSPH1 is on the minus strand). VCF-style: chr21-42486423-A-G. GRCh37 (hg19) VCF-style: chr21-43906533-A-G.
Other names: c.199T>C, p.Tyr67His (NM_001286506.2); short protein forms Y67H, Y105H.
Identifiers: ClinVar variation 1370501 (VCV001370501.6), dbSNP rs1388776078, ClinGen allele CA410366150.

ClinVar aggregate classification (germline): Uncertain significance (1 of 4 stars; one submission).

Conditions:
Primary ciliary dyskinesia. Also called: Ciliary dyskinesia. Identifiers: Orphanet 244, MedGen C0008780, MONDO:0016575, HP:0012265.

Allele frequency attached by ClinVar (database versions not stated): TOPMed below 0.00001; gnomAD 0.00001.
gnomAD v4.1: 1 of 1,614,004 alleles (0.000062%); highest among the groups gnomAD compares: African/African-American, 0.0013%; no homozygotes.

Submission:

Labcorp Genetics (formerly Invitae), Labcorp
Classification: Uncertain significance for Primary ciliary dyskinesia. Last evaluated: 2021-07-28. Review status: criteria provided, single submitter. Criteria: Invitae Variant Classification Sherloc (09022015). Collection method: clinical testing. Allele origin: germline.
Comment: In summary, the available evidence is currently insufficient to determine the role of this variant in disease. Therefore, it has been classified as a Variant of Uncertain Significance. Algorithms developed to predict the effect of missense changes on protein structure and function are either unavailable or do not agree on the potential impact of this missense change (SIFT: "Tolerated"; PolyPhen-2: "Probably Damaging"; Align-GVGD: "Class C0"). This variant has not been reported in the literature in individuals affected with RSPH1-related conditions. This variant is not present in population databases (ExAC no frequency). This sequence change replaces tyrosine with histidine at codon 105 of the RSPH1 protein (p.Tyr105His). The tyrosine residue is highly conserved and there is a moderate physicochemical difference between tyrosine and histidine.